The following is an entry in ClinVar:

ClinVar aggregate classification (germline): Uncertain significance. Review status: criteria provided, multiple submitters, no conflicts (2 of 4 stars). 2 submissions from 2 submitters: Uncertain significance (2). Last evaluated 2025-10-15.

Conditions:
NRP1-related disorder. Also called: NRP1-related condition.

Allele frequency attached by ClinVar (database versions not stated): gnomAD 0.00001; gnomAD exomes 0.00001; ExAC 0.00002; TOPMed 0.00006.
gnomAD v4.1: 14 of 1,614,182 alleles (0.00087%); highest among the groups gnomAD compares: African/African-American, 0.004%; no homozygotes.

Submissions (2):

PreventionGenetics, part of Exact Sciences
Classification: Uncertain significance for NRP1-related condition. Last evaluated: 2025-10-15. Review status: criteria provided, single submitter. Criteria: ACMG Guidelines, 2015. Collection method: clinical testing. Allele origin: germline.
Comment: The NRP1 c.1717G>A variant is predicted to result in the amino acid substitution p.Gly573Arg. This variant was reported in an individual with developmental disorder (Table S1, Kaplanis et al. 2020. PubMed ID: 33057194; Supplementary Data 3, Zhou et al. 2022. PubMed ID: 35982159). This variant is reported in 0.0062% of alleles in individuals of African descent in gnomAD. At this time, the clinical significance of this variant is uncertain due to the absence of conclusive functional and genetic evidence.

Ambry Genetics
Classification: Uncertain significance. Last evaluated: 2022-01-10. Review status: criteria provided, single submitter. Criteria: Ambry Variant Classification Scheme 2023. Collection method: clinical testing. Allele origin: germline.

NM_003873.7(NRP1):c.1717G>A (p.Gly573Arg)

Gene: NRP1 (neuropilin 1; minus strand). Cytogenetic location: 10p11.22.
Variant type: single nucleotide variant.
Coding change: c.1717G>A on transcript NM_003873.7 (MANE Select); coding-DNA position 1717, G replaced by A.
Protein change: p.Gly573Arg; replaces glycine 573 with arginine.
Molecular consequence: missense variant. On other transcripts: non-coding transcript variant (1).
Genome position (GRCh38, 1-based): chr10:33,207,614, C>T on the plus strand (G>A on the coding strand, the complement: NRP1 is on the minus strand). VCF-style: chr10-33207614-C-T. GRCh37 (hg19) VCF-style: chr10-33496542-C-T.
Other names: c.1717G>A, p.Gly573Arg (NM_001024628.3, NM_001024629.3, NM_001244972.2 and 2 more transcripts); short protein forms G573R.
Identifiers: ClinVar variation 2412316 (VCV002412316.4), dbSNP rs778160256, ClinGen allele CA5466525.